The following is an entry in ClinVar:

NM_000093.5(COL5A1):c.1633_1637dup (p.Gln547fs)

Gene: COL5A1 (collagen type V alpha 1 chain; plus strand). Cytogenetic location: 9q34.3.
Variant type: Duplication.
Coding change: c.1633_1637dup on transcript NM_000093.5 (MANE Select); coding-DNA positions 1633 to 1637, 5 bases duplicated (CAGGC; older notation c.1633_1637dupCAGGC).
Protein change: p.Gln547fs; shifts the reading frame from glutamine 547.
Molecular consequence: frameshift variant.
Genome position (GRCh38, 1-based): chr9:134,750,853-134,750,857, CAGGC duplicated; duplicating any 5 consecutive bases within chr9:134,750,852-134,750,857 gives the same sequence; the c. name uses the placement nearest the transcript's 3' end. VCF-style (leftmost placement, unchanged base first): chr9-134750851-C-CCCAGG. GRCh37 (hg19) VCF-style: chr9-137642697-C-CCCAGG.
Other names: c.1633_1637dup, p.Gln547fs (NM_001278074.1); short protein forms Q547fs.
Identifiers: ClinVar variation 4729622 (VCV004729622.1).

ClinVar aggregate classification (germline): Pathogenic (1 of 4 stars; one submission).

Conditions:
Ehlers-Danlos syndrome, classic type, 1 (EDSCL1). Also called: EHLERS-DANLOS SYNDROME, GRAVIS TYPE; EHLERS-DANLOS SYNDROME, SEVERE CLASSIC TYPE; Ehlers-Danlos syndrome, type 1; Ehlers-Danlos Syndrome, Classic Type, COL5A1-Related; EDS I. Identifiers: MedGen C0268335, MONDO:0019567, OMIM 130000.

Submission:

Labcorp Genetics (formerly Invitae), Labcorp
Classification: Pathogenic for Ehlers-Danlos syndrome, classic type, 1. Last evaluated: 2025-10-21. Review status: criteria provided, single submitter. Criteria: Invitae Variant Classification Sherloc (09022015). Collection method: clinical testing. Allele origin: germline.
Comment: This sequence change creates a premature translational stop signal (p.Gln547Argfs*13) in the COL5A1 gene. It is expected to result in an absent or disrupted protein product. Loss-of-function variants in COL5A1 are known to be pathogenic (PMID: 23587214). This variant is not present in population databases (gnomAD no frequency). This variant has not been reported in the literature in individuals affected with COL5A1-related conditions. For these reasons, this variant has been classified as Pathogenic.

Literature cited by the submitters: PubMed 23587214.